The following is an entry in ClinVar:

NM_001378454.1(ALMS1):c.11032C>T (p.Arg3678Trp)

Gene: ALMS1 (ALMS1 centrosome and basal body associated protein; plus strand). Cytogenetic location: 2p13.1.
Variant type: single nucleotide variant.
Coding change: c.11032C>T on transcript NM_001378454.1 (MANE Select); coding-DNA position 11032, C replaced by T.
Protein change: p.Arg3678Trp; replaces arginine 3678 with tryptophan.
Molecular consequence: missense variant.
Genome position (GRCh38, 1-based): chr2:73,572,909, C>T. VCF-style: chr2-73572909-C-T. GRCh37 (hg19) VCF-style: chr2-73800036-C-T.
Other names: c.11035C>T, p.Arg3679Trp (NM_015120.4); short protein forms R3679W, R3678W.
Identifiers: ClinVar variation 384519 (VCV000384519.13), dbSNP rs766771102, ClinGen allele CA1715104.

ClinVar aggregate classification (germline): Uncertain significance. Review status: criteria provided, multiple submitters, no conflicts (2 of 4 stars). 6 submissions from 6 submitters: Uncertain significance (4). 2 of the submissions do not count toward it. Last evaluated 2025-10-24.

Conditions:
Cardiovascular phenotype. Identifiers: MedGen CN230736.
Alstrom syndrome (ALMS). Identifiers: Orphanet 64, MedGen C0268425, MONDO:0008763, OMIM 203800.

Allele frequency attached by ClinVar (database versions not stated): ExAC 0.00002; gnomAD exomes 0.00002; gnomAD 0.00004; TOPMed 0.00005.
gnomAD v4.1: 38 of 1,613,756 alleles (0.0024%); highest among the groups gnomAD compares: Admixed American, 0.0083%; no homozygotes.

Submissions (6):

Ambry Genetics
Classification: Uncertain significance for Cardiovascular phenotype. Last evaluated: 2025-10-24. Review status: criteria provided, single submitter. Criteria: Ambry Variant Classification Scheme 2023. Collection method: clinical testing. Allele origin: germline.
Comment: The p.R3679W variant (also known as c.11035C>T), located in coding exon 16 of the ALMS1 gene, results from a C to T substitution at nucleotide position 11035. The arginine at codon 3679 is replaced by tryptophan, an amino acid with dissimilar properties. This amino acid position is not well conserved in available vertebrate species. In addition, this alteration is predicted to be tolerated by in silico analysis. Since supporting evidence is limited at this time, the clinical significance of this alteration remains unclear.

GeneDx
Classification: Uncertain significance. Last evaluated: 2024-04-26. Review status: criteria provided, single submitter. Criteria: GeneDx Variant Classification Process June 2021. Collection method: clinical testing. Allele origin: germline. Affected: yes.
Comment: Not observed at significant frequency in large population cohorts (gnomAD); In silico analysis indicates that this missense variant does not alter protein structure/function; Has not been previously published as pathogenic or benign to our knowledge

Labcorp Genetics (formerly Invitae), Labcorp
Classification: Uncertain significance for Alstrom syndrome. Last evaluated: 2024-01-19. Review status: criteria provided, single submitter. Criteria: Invitae Variant Classification Sherloc (09022015). Collection method: clinical testing. Allele origin: germline.
Comment: This sequence change replaces arginine, which is basic and polar, with tryptophan, which is neutral and slightly polar, at codon 3679 of the ALMS1 protein (p.Arg3679Trp). This variant is present in population databases (rs766771102, gnomAD 0.006%). This variant has not been reported in the literature in individuals affected with ALMS1-related conditions. ClinVar contains an entry for this variant (Variation ID: 384519). Experimental studies and prediction algorithms are not available or were not evaluated, and the functional significance of this variant is currently unknown. In summary, the available evidence is currently insufficient to determine the role of this variant in disease. Therefore, it has been classified as a Variant of Uncertain Significance.

Fulgent Genetics
Classification: Uncertain significance for Alstrom syndrome. Last evaluated: 2022-04-26. Review status: criteria provided, single submitter. Criteria: ACMG Guidelines, 2015. Collection method: clinical testing. Allele origin: unknown.

Natera, Inc.
Classification: Uncertain significance for Alstrom syndrome. Last evaluated: 2020-09-16. Review status: no assertion criteria provided. Collection method: clinical testing. Allele origin: germline. Not counted in ClinVar's aggregate classification.

Counsyl
Classification: Uncertain significance for Alstrom syndrome. Last evaluated: 2017-04-14. Review status: no assertion criteria provided. Collection method: clinical testing. Allele origin: unknown. Not counted in ClinVar's aggregate classification.